The following is an entry in ClinVar:

ClinVar aggregate classification (germline): Pathogenic. Review status: criteria provided, multiple submitters, no conflicts (2 of 4 stars). 2 submissions from 2 submitters: Pathogenic (2). Last evaluated 2022-04-26.

Conditions:
Hereditary sensory and autonomic neuropathy type 6. Also called: Neuropathy, hereditary sensory and autonomic, type VI; HSAN VI. Identifiers: Orphanet 314381, MedGen C3539003, MONDO:0013839, OMIM 614653.
Epidermolysis bullosa simplex 3, localized or generalized intermediate, with BP230 deficiency (EBS3). Also called: Epidermolysis bullosa simplex, autosomal recessive 2; Epidermolysis bullosa simplex due to BP230 deficiency. Identifiers: Orphanet 412181, MedGen C3809470, MONDO:0014180, OMIM 615425.

Submissions (2):

Labcorp Genetics (formerly Invitae), Labcorp
Classification: Pathogenic for Epidermolysis bullosa simplex 3, localized or generalized intermediate, with BP230 deficiency; Hereditary sensory and autonomic neuropathy type 6. Last evaluated: 2022-04-26. Review status: criteria provided, single submitter. Criteria: Invitae Variant Classification Sherloc (09022015). Collection method: clinical testing. Allele origin: germline.
Comment: This variant has not been reported in the literature in individuals affected with DST-related conditions. This variant is present in population databases (rs759006806, gnomAD 0.003%). This sequence change creates a premature translational stop signal (p.Thr1727Aspfs*20) in the DST gene. It is expected to result in an absent or disrupted protein product. Loss-of-function variants in DST are known to be pathogenic (PMID: 22522446, 25059916, 30371979). ClinVar contains an entry for this variant (Variation ID: 617589). For these reasons, this variant has been classified as Pathogenic.

NeuroMeGen, Hospital Clinico Santiago de Compostela
Classification: Pathogenic for Hereditary sensory and autonomic neuropathy type 6. Last evaluated: 2018-10-08. Review status: criteria provided, single submitter. Criteria: ACMG Guidelines, 2015. Collection method: clinical testing. Allele origin: unknown. Affected: yes. Observed: 1 compound heterozygote.

Literature cited by the submitters: PubMed 22522446 (cited by Labcorp Genetics (formerly Invitae), Labcorp); PubMed 25059916 (cited by Labcorp Genetics (formerly Invitae), Labcorp); PubMed 30371979 (cited by Labcorp Genetics (formerly Invitae), Labcorp).

NM_001723.7(DST):c.5177dup (p.Thr1727fs)

Gene: DST (dystonin; minus strand). Cytogenetic location: 6p12.1.
Variant type: Duplication.
Coding change: c.5177dup on transcript NM_001723.7 (MANE Plus Clinical); coding-DNA position 5177, one base duplicated (A; older notation c.5177dupA).
Protein change: p.Thr1727fs; shifts the reading frame from threonine 1727.
Molecular consequence: frameshift variant. On other transcripts: intron variant (10).
Genome position (GRCh38, 1-based): chr6:56,618,857, T duplicated on the plus strand (A on the coding strand, the reverse complement: DST is on the minus strand); the first of 3 consecutive T bases (chr6:56,618,857-56,618,859); duplicating any one gives the same sequence. VCF-style (leftmost placement, unchanged base first): chr6-56618856-C-CT. GRCh37 (hg19) VCF-style: chr6-56483654-C-CT.
Other names: c.4831-4373dup (NM_001144769.5); c.4930-4373dup (NM_001374722.1, NM_001374736.1); c.4957-4373dup (NM_001374734.1); c.4417-4373dup (NM_001144770.2); c.4297-4373dup (NM_001374730.1, NM_001386100.1, NM_183380.4 and 1 more transcripts); c.3319-4373dup (NM_015548.5); c.5177dupA (NM_001723.5); short protein forms T1727fs.
Identifiers: ClinVar variation 617589 (VCV000617589.7), dbSNP rs759006806, ClinGen allele CA3870401.
Genomic context (GRCh38, chr6:56,618,856, plus strand): 5'-TTTACCAGATTCTTCCTGAAACAGAACCATCTTTCTGTGGGTCATCTGCTCCTCTATGGT[C>CT]TTTAAGTGTAATTCGTCTTGTACTTTTTTCAACCTGTTATTTAACTCTTGCACCTGAGCT-3'